The following is an entry in ClinVar:

ClinVar aggregate classification (germline): Uncertain significance (1 of 4 stars; one submission).

Submission:

Labcorp Genetics (formerly Invitae), Labcorp
Classification: Uncertain significance. Last evaluated: 2025-04-24. Review status: criteria provided, single submitter. Criteria: Invitae Variant Classification Sherloc (09022015). Collection method: clinical testing. Allele origin: germline.
Comment: This sequence change replaces alanine, which is neutral and non-polar, with serine, which is neutral and polar, at codon 36 of the GNA11 protein (p.Ala36Ser). This variant is not present in population databases (gnomAD no frequency). This variant has not been reported in the literature in individuals affected with GNA11-related conditions. Invitae Evidence Modeling of protein sequence and biophysical properties (such as structural, functional, and spatial information, amino acid conservation, physicochemical variation, residue mobility, and thermodynamic stability) indicates that this missense variant is not expected to disrupt GNA11 protein function with a negative predictive value of 80%. In summary, the available evidence is currently insufficient to determine the role of this variant in disease. Therefore, it has been classified as a Variant of Uncertain Significance.

NM_002067.5(GNA11):c.106G>T (p.Ala36Ser)

Gene: GNA11 (G protein subunit alpha 11; plus strand). Cytogenetic location: 19p13.3.
Variant type: single nucleotide variant.
Coding change: c.106G>T on transcript NM_002067.5 (MANE Select); coding-DNA position 106, G replaced by T.
Protein change: p.Ala36Ser; replaces alanine 36 with serine.
Molecular consequence: missense variant.
Genome position (GRCh38, 1-based): chr19:3,094,757, G>T. VCF-style: chr19-3094757-G-T. GRCh37 (hg19) VCF-style: chr19-3094755-G-T.
Other names: short protein forms A36S.
Identifiers: ClinVar variation 4766498 (VCV004766498.1).